The following is an entry in ClinVar:

ClinVar aggregate classification (germline): Pathogenic (0 of 4 stars; one submission).

Conditions:
FECH-related disorder. Also called: FECH-related condition.

Submission:

PreventionGenetics, part of Exact Sciences
Classification: Pathogenic for FECH-related condition. Last evaluated: 2024-05-31. Review status: no assertion criteria provided. Collection method: clinical testing. Allele origin: germline.
Comment: The FECH c.1099A>T variant is predicted to result in premature protein termination (p.Arg367*). This variant has been reported to be causative for erythropoietic protoporphyria (Colombo et al. 2013. PubMed ID: 22591014). This variant has not been reported in a large population database, indicating this variant is rare. Nonsense variants in FECH are expected to be pathogenic. This variant is interpreted as pathogenic.

NM_000140.5(FECH):c.1099A>T (p.Arg367Ter)

Gene: FECH (ferrochelatase; minus strand). Cytogenetic location: 18q21.31.
Variant type: single nucleotide variant.
Coding change: c.1099A>T on transcript NM_000140.5 (MANE Select); coding-DNA position 1099, A replaced by T.
Protein change: p.Arg367Ter; replaces arginine 367 with a stop codon.
Molecular consequence: nonsense. On other transcripts: intron variant (1).
Genome position (GRCh38, 1-based): chr18:57,551,353, T>A on the plus strand (A>T on the coding strand, the complement: FECH is on the minus strand). VCF-style: chr18-57551353-T-A. GRCh37 (hg19) VCF-style: chr18-55218585-T-A.
Other names: c.1117A>T, p.Arg373Ter (NM_001012515.4); c.1000A>T, p.Arg334Ter (NM_001371094.1); c.883A>T, p.Arg295Ter (NM_001371095.1); c.1078-507A>T (NM_001374778.1); short protein forms R295*, R334*, R367*, R373*.
Identifiers: ClinVar variation 3346176 (VCV003346176.1).